The following is an entry in ClinVar:

NM_052947.4(ALPK2):c.4813C>A (p.Leu1605Ile)

Genes: ALPK2 (alpha kinase 2; minus strand), LOC126862764 (BRD4-independent group 4 enhancer GRCh37_chr18:56202574-56203773; plus strand). Cytogenetic location: 18q21.31.
Variant type: single nucleotide variant.
Coding change: c.4813C>A on transcript NM_052947.4 (MANE Select); coding-DNA position 4813, C replaced by A.
Protein change: p.Leu1605Ile; replaces leucine 1605 with isoleucine.
Molecular consequence: missense variant.
Genome position (GRCh38, 1-based): chr18:58,535,374, G>T on the plus strand (C>A on the coding strand, the complement: ALPK2 is on the minus strand). VCF-style: chr18-58535374-G-T. GRCh37 (hg19) VCF-style: chr18-56202606-G-T.
Other names: short protein forms L1605I.
Identifiers: ClinVar variation 3290394 (VCV003290394.1).

ClinVar aggregate classification (germline): Uncertain significance (1 of 4 stars; one submission).

Submission:

Ambry Genetics
Classification: Uncertain significance. Last evaluated: 2024-05-18. Review status: criteria provided, single submitter. Criteria: Ambry Variant Classification Scheme 2023. Collection method: clinical testing. Allele origin: germline.
Comment: The p.L1605I variant (also known as c.4813C>A), located in coding exon 4 of the ALPK2 gene, results from a C to A substitution at nucleotide position 4813. The leucine at codon 1605 is replaced by isoleucine, an amino acid with highly similar properties. This amino acid position is conserved. In addition, this alteration is predicted to be tolerated by in silico analysis. Based on the available evidence, the clinical significance of this variant remains unclear.